The following is an entry in ClinVar:

ClinVar aggregate classification (germline): Uncertain significance (1 of 4 stars; one submission).

Conditions:
Epidermolysis bullosa simplex 5B, with muscular dystrophy (EBS5B). Also called: EPIDERMOLYSIS BULLOSA SIMPLEX AND LIMB-GIRDLE MUSCULAR DYSTROPHY; Epidermolysis bullosa simplex with muscular dystrophy. Identifiers: Orphanet 257, MedGen C2931072, MONDO:0009181, OMIM 226670.
Epidermolysis bullosa simplex, Ogna type (EBS5A). Also called: Pidermolysis bullosa simplex 5A, Ogna type; EPIDERMOLYSIS BULLOSA SIMPLEX 5A, OGNA TYPE. Identifiers: Orphanet 79401, MedGen C0432317, MONDO:0007555, OMIM 131950.
Epidermolysis bullosa simplex with nail dystrophy (EBS5D). Identifiers: MedGen C4225309, MONDO:0014661, OMIM 616487.
Autosomal recessive limb-girdle muscular dystrophy type 2Q (LGMDR17). Also called: MUSCULAR DYSTROPHY, LIMB-GIRDLE, AUTOSOMAL RECESSIVE 17. Identifiers: Orphanet 254361, MedGen C3150989, MONDO:0013390, OMIM 613723.
Epidermolysis bullosa simplex 5C, with pyloric atresia (EBS5C). Also called: PLEC1-Related Epidermolysis Bullosa with Pyloric Atresia; PLEC-Related Epidermolysis Bullosa with Pyloric Atresia; Epidermolysis bullosa simplex with pyloric atresia. Identifiers: Orphanet 158684, MedGen C2677349, MONDO:0012807, OMIM 612138.

Submission:

Labcorp Genetics (formerly Invitae), Labcorp
Classification: Uncertain significance for Autosomal recessive limb-girdle muscular dystrophy type 2Q; Epidermolysis bullosa simplex, Ogna type; Epidermolysis bullosa simplex with nail dystrophy; Epidermolysis bullosa simplex 5C, with pyloric atresia; Epidermolysis bullosa simplex 5B, with muscular dystrophy. Last evaluated: 2021-07-04. Review status: criteria provided, single submitter. Criteria: Invitae Variant Classification Sherloc (09022015). Collection method: clinical testing. Allele origin: germline.
Comment: This sequence change replaces alanine with serine at codon 3111 of the PLEC protein (p.Ala3111Ser). The alanine residue is moderately conserved and there is a moderate physicochemical difference between alanine and serine. This variant is not present in population databases (ExAC no frequency). This variant has not been reported in the literature in individuals affected with PLEC-related conditions. Algorithms developed to predict the effect of missense changes on protein structure and function output the following: SIFT: "Tolerated"; PolyPhen-2: "Possibly Damaging"; Align-GVGD: "Class C0". The serine amino acid residue is found in multiple mammalian species, which suggests that this missense change does not adversely affect protein function. In summary, the available evidence is currently insufficient to determine the role of this variant in disease. Therefore, it has been classified as a Variant of Uncertain Significance.

NM_201384.3(PLEC):c.9250G>T (p.Ala3084Ser)

Gene: PLEC (plectin; minus strand). Cytogenetic location: 8q24.3.
Variant type: single nucleotide variant.
Coding change: c.9250G>T on transcript NM_201384.3 (MANE Select); coding-DNA position 9250, G replaced by T.
Protein change: p.Ala3084Ser; replaces alanine 3084 with serine.
Molecular consequence: missense variant.
Genome position (GRCh38, 1-based): chr8:143,920,571, C>A on the plus strand (G>T on the coding strand, the complement: PLEC is on the minus strand). VCF-style: chr8-143920571-C-A. GRCh37 (hg19) VCF-style: chr8-144994739-C-A.
Other names: c.9331G>T, p.Ala3111Ser (NM_000445.5); c.9208G>T, p.Ala3070Ser (NM_201378.4); c.9184G>T, p.Ala3062Ser (NM_201379.3); c.9661G>T, p.Ala3221Ser (NM_201380.4); c.9154G>T, p.Ala3052Ser (NM_201381.3); c.9250G>T, p.Ala3084Ser (NM_201382.4); c.9262G>T, p.Ala3088Ser (NM_201383.3); short protein forms A3070S, A3088S, A3111S, A3221S, A3052S, A3062S, A3084S.
Identifiers: ClinVar variation 1469763 (VCV001469763.8), dbSNP rs1822259976, ClinGen allele CA372511260.